The following is an entry in ClinVar:

NM_001134407.3(GRIN2A):c.484A>T (p.Met162Leu)

Gene: GRIN2A (glutamate ionotropic receptor NMDA type subunit 2A; minus strand). Cytogenetic location: 16p13.2.
Variant type: single nucleotide variant.
Coding change: c.484A>T on transcript NM_001134407.3 (MANE Select); coding-DNA position 484, A replaced by T.
Protein change: p.Met162Leu; replaces methionine 162 with leucine.
Molecular consequence: missense variant.
Genome position (GRCh38, 1-based): chr16:9,938,482, T>A on the plus strand (A>T on the coding strand, the complement: GRIN2A is on the minus strand). VCF-style: chr16-9938482-T-A. GRCh37 (hg19) VCF-style: chr16-10032339-T-A.
Other names: c.484A>T, p.Met162Leu (NM_000833.5, NM_001134408.2); short protein forms M162L.
Identifiers: ClinVar variation 4745854 (VCV004745854.1).
Genomic context (GRCh38, chr16:9,938,482, plus strand): 5'-CCCTGTAGCCAGGGAAGATAGTGGTCACCAGGGAGAAGACATGCCAGTCATAATCCTGCA[T>A]GATCTTCAGCATGACCGTGGCTTGCTGCTGGATGGACGCTCCAAACTGGAAGAAGGTAGA-3'
Protein context (NP_001127879.1, residues 152-172): QQQATVMLKI[Met162Leu]QDYDWHVFSL

ClinVar aggregate classification (germline): Uncertain significance (1 of 4 stars; one submission).

Conditions:
Landau-Kleffner syndrome (FESD). Also called: EPILEPSY, FOCAL, WITH SPEECH DISORDER AND WITH OR WITHOUT MENTAL RETARDATION; APHASIA, ACQUIRED, WITH EPILEPSY. Identifiers: Orphanet 1945, Orphanet 725, Orphanet 98818, MedGen C0282512, MONDO:0009509, OMIM 245570.

Submission:

Labcorp Genetics (formerly Invitae), Labcorp
Classification: Uncertain significance for Landau-Kleffner syndrome. Last evaluated: 2025-04-02. Review status: criteria provided, single submitter. Criteria: Invitae Variant Classification Sherloc (09022015). Collection method: clinical testing. Allele origin: germline.
Comment: This sequence change replaces methionine, which is neutral and non-polar, with leucine, which is neutral and non-polar, at codon 162 of the GRIN2A protein (p.Met162Leu). This variant is not present in population databases (gnomAD no frequency). This variant has not been reported in the literature in individuals affected with GRIN2A-related conditions. Invitae Evidence Modeling of protein sequence and biophysical properties (such as structural, functional, and spatial information, amino acid conservation, physicochemical variation, residue mobility, and thermodynamic stability) indicates that this missense variant is not expected to disrupt GRIN2A protein function with a negative predictive value of 95%. In summary, the available evidence is currently insufficient to determine the role of this variant in disease. Therefore, it has been classified as a Variant of Uncertain Significance.